The following is an entry in ClinVar:

ClinVar aggregate classification (germline): Uncertain significance. Review status: criteria provided, multiple submitters, no conflicts (2 of 4 stars). 2 submissions from 2 submitters: Uncertain significance (2). Last evaluated 2024-10-10.

Conditions:
Hereditary cancer-predisposing syndrome. Also called: Tumor predisposition; Neoplastic Syndromes, Hereditary; Hereditary Cancer Syndrome; Hereditary neoplastic syndrome. Identifiers: Orphanet 140162, MedGen C0027672, MeSH D009386, MONDO:0015356.
Hereditary diffuse gastric adenocarcinoma (HDGC). Also called: DIFFUSE GASTRIC AND LOBULAR BREAST CANCER SYNDROME. Identifiers: Orphanet 26106, MedGen C1708349, MONDO:0007648, OMIM 137215.

Submissions (2):

Ambry Genetics
Classification: Uncertain significance for Hereditary cancer-predisposing syndrome. Last evaluated: 2024-10-10. Review status: criteria provided, single submitter. Criteria: Ambry Variant Classification Scheme 2023. Collection method: clinical testing. Allele origin: germline.
Comment: The p.G866S variant (also known as c.2596G>A), located in coding exon 16 of the CDH1 gene, results from a G to A substitution at nucleotide position 2596. The glycine at codon 866 is replaced by serine, an amino acid with similar properties. This amino acid position is highly conserved in available vertebrate species. In addition, this alteration is predicted to be deleterious by in silico analysis. Since supporting evidence is limited at this time, the clinical significance of this alteration remains unclear.

Labcorp Genetics (formerly Invitae), Labcorp
Classification: Uncertain significance for Hereditary diffuse gastric adenocarcinoma. Last evaluated: 2024-10-08. Review status: criteria provided, single submitter. Criteria: Invitae Variant Classification Sherloc (09022015). Collection method: clinical testing. Allele origin: germline.
Comment: This sequence change replaces glycine, which is neutral and non-polar, with serine, which is neutral and polar, at codon 866 of the CDH1 protein (p.Gly866Ser). This variant is not present in population databases (gnomAD no frequency). This variant has not been reported in the literature in individuals affected with CDH1-related conditions. ClinVar contains an entry for this variant (Variation ID: 406640). An algorithm developed to predict the effect of missense changes on protein structure and function (PolyPhen-2) suggests that this variant is likely to be disruptive. In summary, the available evidence is currently insufficient to determine the role of this variant in disease. Therefore, it has been classified as a Variant of Uncertain Significance.

NM_004360.5(CDH1):c.2596G>A (p.Gly866Ser)

Gene: CDH1 (cadherin 1; plus strand). Cytogenetic location: 16q22.1.
Variant type: single nucleotide variant.
Coding change: c.2596G>A on transcript NM_004360.5 (MANE Select); coding-DNA position 2596, G replaced by A.
Protein change: p.Gly866Ser; replaces glycine 866 with serine.
Molecular consequence: missense variant.
Genome position (GRCh38, 1-based): chr16:68,833,446, G>A. VCF-style: chr16-68833446-G-A. GRCh37 (hg19) VCF-style: chr16-68867349-G-A.
Other names: c.2413G>A, p.Gly805Ser (NM_001317184.2); c.1048G>A, p.Gly350Ser (NM_001317185.2); c.631G>A, p.Gly211Ser (NM_001317186.2); c.2596G>A (LRG_301t1); short protein forms G866S, G211S, G805S, G350S.
Identifiers: ClinVar variation 406640 (VCV000406640.15), dbSNP rs1060501230, ClinGen allele CA16615418.
Genomic context (GRCh38, chr16:68,833,446, plus strand): 5'-AGCTCCCTGAACTCCTCAGAGTCAGACAAAGACCAGGACTATGACTACTTGAACGAATGG[G>A]GCAATCGCTTCAAGAAGCTGGCTGACATGTACGGAGGCGGCGAGGACGACTAGGGGACTC-3'
Protein context (NP_004351.1, residues 856-876): DQDYDYLNEW[Gly866Ser]NRFKKLADMY